The following is an entry in ClinVar:

NM_024426.6(WT1):c.1080A>G (p.Arg360=)

Gene: WT1 (WT1 transcription factor; minus strand). Cytogenetic location: 11p13.
Variant type: single nucleotide variant.
Coding change: c.1080A>G on transcript NM_024426.6 (MANE Select); coding-DNA position 1080, A replaced by G.
Protein change: p.Arg360=; no amino-acid change (arginine 360 retained).
Molecular consequence: synonymous variant. On other transcripts: 5 prime UTR variant (1), non-coding transcript variant (2).
Genome position (GRCh38, 1-based): chr11:32,399,981, T>C on the plus strand (A>G on the coding strand, the complement: WT1 is on the minus strand). VCF-style: chr11-32399981-T-C. GRCh37 (hg19) VCF-style: chr11-32421527-T-C.
Other names: c.1029A>G, p.Arg343= (NM_000378.6, NM_001407045.1, NM_001407048.1 and 1 more transcripts); c.429A>G, p.Arg143= (NM_001198551.2); c.378A>G, p.Arg126= (NM_001198552.2); c.-109A>G (NM_001367854.1); c.1074A>G, p.Arg358= (NM_001407044.1); c.1080A>G, p.Arg360= (NM_001407046.1, NM_024424.5); c.957A>G, p.Arg319= (NM_001407047.1); c.906A>G, p.Arg302= (NM_001407050.1); and 3 more.
Identifiers: ClinVar variation 3386197 (VCV003386197.1).
Genomic context (GRCh38, chr11:32,399,981, plus strand): 5'-CCCGCTGGGGCCTGTCTGTGTGCTCACCTGAATGCCTCTGAAGACACCGTGCGTGTGTAT[T>C]CTGTATTGGGCTCCGCAGAGGATGGGCGTTGTGTGGTTATCGCTCTCGTACCCTGTGCTG-3'
Protein context (NP_077744.4, residues 350-370): TTPILCGAQY[Arg360=]IHTHGVFRGI

ClinVar aggregate classification (germline): Likely benign (1 of 4 stars; one submission).

Conditions:
Wilms tumor 1 (WT1). Also called: Wilms tumor, somatic. Identifiers: Orphanet 654, MedGen CN033288, MONDO:0008679, OMIM 194070.

Submission:

All of Us Research Program, National Institutes of Health
Classification: Likely benign for Wilms tumor 1. Last evaluated: 2024-05-14. Review status: criteria provided, single submitter. Criteria: ACMG Guidelines, 2015. Collection method: clinical testing. Allele origin: germline. Inheritance: Autosomal dominant inheritance. Observed: 1 variant allele, 1 heterozygote.
Comment: This study involves interpretation of variants in research participants for the purpose of population health screening. Participant phenotype was not available at the time of variant classification. Additional details can be found in publication PMID: 35346344, PMCID: PMC8962531